The following is an entry in ClinVar:

ClinVar aggregate classification (germline): Uncertain significance (1 of 4 stars; one submission).

Conditions:
Developmental and epileptic encephalopathy, 23 (DEE23). Also called: Epileptic encephalopathy, early infantile, 23. Identifiers: Orphanet 411986, MedGen C4014492, MONDO:0014371, OMIM 615859.

Allele frequency attached by ClinVar (database versions not stated): TOPMed below 0.00001; gnomAD 0.00001.
gnomAD v4.1: 1 of 1,607,402 alleles (0.000062%); highest among the groups gnomAD compares: Non-Finnish European, 0.000085%; no homozygotes.

Submission:

Labcorp Genetics (formerly Invitae), Labcorp
Classification: Uncertain significance for Developmental and epileptic encephalopathy, 23. Last evaluated: 2021-08-14. Review status: criteria provided, single submitter. Criteria: Invitae Variant Classification Sherloc (09022015). Collection method: clinical testing. Allele origin: germline.
Comment: This sequence change replaces threonine with serine at codon 1262 of the DOCK7 protein (p.Thr1262Ser). The threonine residue is weakly conserved and there is a small physicochemical difference between threonine and serine. This variant is not present in population databases (ExAC no frequency). This variant has not been reported in the literature in individuals affected with DOCK7-related conditions. Algorithms developed to predict the effect of missense changes on protein structure and function output the following: SIFT: "Tolerated"; PolyPhen-2: "Benign"; Align-GVGD: "Class C0". The serine amino acid residue is found in multiple mammalian species, which suggests that this missense change does not adversely affect protein function. In summary, the available evidence is currently insufficient to determine the role of this variant in disease. Therefore, it has been classified as a Variant of Uncertain Significance.

NM_001367561.1(DOCK7):c.3784A>T (p.Thr1262Ser)

Gene: DOCK7 (dedicator of cytokinesis 7; minus strand). Cytogenetic location: 1p31.3.
Variant type: single nucleotide variant.
Coding change: c.3784A>T on transcript NM_001367561.1 (MANE Select); coding-DNA position 3784, A replaced by T.
Protein change: p.Thr1262Ser; replaces threonine 1262 with serine.
Molecular consequence: missense variant.
Genome position (GRCh38, 1-based): chr1:62,528,303, T>A on the plus strand (A>T on the coding strand, the complement: DOCK7 is on the minus strand). VCF-style: chr1-62528303-T-A. GRCh37 (hg19) VCF-style: chr1-62993974-T-A.
Other names: c.3784A>T, p.Thr1262Ser (NM_001271999.2, NM_001330614.2); c.3691A>T, p.Thr1231Ser (NM_001272000.2, NM_001272001.2, NM_033407.4); short protein forms T1231S, T1262S.
Identifiers: ClinVar variation 1502479 (VCV001502479.5), dbSNP rs1645075191, ClinGen allele CA340600310.
Genomic context (GRCh38, chr1:62,528,303, plus strand): 5'-CGCTCTCACTTTCATAATCATCAGTGGCTATACAAATTGGTCTTCCTCGTTGATTGTGAG[T>A]TTCTAAAGAAAAATAATCCAAAAAAATAAATAAAACTGTTTAGCTGAACTAATTCCCTTT-3'
Protein context (NP_001354490.1, residues 1252-1272): TVPQLYDFTE[Thr1262Ser]HNQRGRPICI